The following is an entry in ClinVar:

ClinVar aggregate classification (germline): Conflicting classifications of pathogenicity. Review status: criteria provided, conflicting classifications (1 of 4 stars). 2 submissions from 2 submitters: Uncertain significance (1); Likely benign (1). Last evaluated 2026-09-07.

Conditions:
TPRN-related disorder. Also called: TPRN-related condition.

Submissions (2):

PreventionGenetics, part of Exact Sciences
Classification: Uncertain significance for TPRN-related condition. Last evaluated: 2026-09-07. Review status: criteria provided, single submitter. Criteria: ACMG Guidelines, 2015. Collection method: clinical testing. Allele origin: germline.
Comment: The TPRN c.229G>A variant is predicted to result in the amino acid substitution p.Ala77Thr. To our knowledge, this variant has not been reported in the literature. This variant is reported in 0.060% of alleles in individuals of East Asian descent in gnomAD. At this time, the clinical significance of this variant is uncertain due to the absence of conclusive functional and genetic evidence.

Blueprint Genetics
Classification: Likely benign. Last evaluated: 2024-06-18. Review status: criteria provided, single submitter. Criteria: ACMG Guidelines, 2015. Collection method: clinical testing. Allele origin: germline.

NM_001128228.3(TPRN):c.229G>A (p.Ala77Thr)

Gene: TPRN (taperin; minus strand). Cytogenetic location: 9q34.3.
Variant type: single nucleotide variant.
Coding change: c.229G>A on transcript NM_001128228.3 (MANE Select); coding-DNA position 229, G replaced by A.
Protein change: p.Ala77Thr; replaces alanine 77 with threonine.
Molecular consequence: missense variant.
Genome position (GRCh38, 1-based): chr9:137,200,483, C>T on the plus strand (G>A on the coding strand, the complement: TPRN is on the minus strand). VCF-style: chr9-137200483-C-T. GRCh37 (hg19) VCF-style: chr9-140094935-C-T.
Other names: c.229G>A (NM_001128228.2); short protein forms A77T.
Identifiers: ClinVar variation 4906140 (VCV004906140.2).